The following is an entry in ClinVar:

ClinVar aggregate classification (germline): Uncertain significance (1 of 4 stars; one submission).

Conditions:
Periodic fever-infantile enterocolitis-autoinflammatory syndrome. Also called: Autoinflammation with infantile enterocolitis. Identifiers: Orphanet 436166, MedGen C4015067, MONDO:0014472, OMIM 616050.
Familial cold autoinflammatory syndrome 4 (FCAS4). Identifiers: Orphanet 47045, Orphanet 576349, MedGen C4015276, MONDO:0014498, OMIM 616115.

Allele frequency attached by ClinVar (database versions not stated): gnomAD 0.00001 and 0.00003; gnomAD exomes 0.00001 and 0.00006; TOPMed 0.00001.

Submission:

Labcorp Genetics (formerly Invitae), Labcorp
Classification: Uncertain significance for Periodic fever-infantile enterocolitis-autoinflammatory syndrome; Familial cold autoinflammatory syndrome 4. Last evaluated: 2022-11-27. Review status: criteria provided, single submitter. Criteria: Invitae Variant Classification Sherloc (09022015). Collection method: clinical testing. Allele origin: germline.
Comment: In summary, the available evidence is currently insufficient to determine the role of this variant in disease. Therefore, it has been classified as a Variant of Uncertain Significance. Advanced modeling of protein sequence and biophysical properties (such as structural, functional, and spatial information, amino acid conservation, physicochemical variation, residue mobility, and thermodynamic stability) performed at Invitae indicates that this missense variant is not expected to disrupt NLRC4 protein function. This sequence change replaces phenylalanine, which is neutral and non-polar, with serine, which is neutral and polar, at codon 961 of the NLRC4 protein (p.Phe961Ser). This variant is present in population databases (no rsID available, gnomAD 0.002%). This variant has not been reported in the literature in individuals affected with NLRC4-related conditions. ClinVar contains an entry for this variant (Variation ID: 655469).

NM_001199138.2(NLRC4):c.2882T>C (p.Phe961Ser)

Gene: NLRC4 (NLR family CARD domain containing 4; minus strand). Cytogenetic location: 2p22.3.
Variant type: single nucleotide variant.
Coding change: c.2882T>C on transcript NM_001199138.2 (MANE Select); coding-DNA position 2882, T replaced by C.
Protein change: p.Phe961Ser; replaces phenylalanine 961 with serine.
Molecular consequence: missense variant.
Genome position (GRCh38, 1-based): chr2:32,224,666, A>G on the plus strand (T>C on the coding strand, the complement: NLRC4 is on the minus strand). VCF-style: chr2-32224666-A-G. GRCh37 (hg19) VCF-style: chr2-32449735-A-G.
Other names: c.2882T>C, p.Phe961Ser (NM_001199139.2, NM_021209.5); c.887T>C, p.Phe296Ser (NM_001302504.2); short protein forms F296S, F961S.
Identifiers: ClinVar variation 655469 (VCV000655469.10), dbSNP rs1316364094, ClinGen allele CA346519410.
Genomic context (GRCh38, chr2:32,224,666, plus strand): 5'-GGATCAGGTAGAAATTCTTTAGTACTAAAGTCAAAAAACACTAATTGCTTAAGATTCTCA[A>G]ATACACCCATGAAGGCAAGCCATCCATCACTGCTCACACGATTTCCCGCCAAATTCAACT-3'
Protein context (NP_001186067.1, residues 951-971): SDGWLAFMGV[Phe961Ser]ENLKQLVFFD